The following is an entry in ClinVar:

NM_000157.4(GBA1):c.1402G>T (p.Glu468Ter)

Genes: GBA1 (glucosylceramidase beta 1; minus strand), LOC106627981 (GBA recombination region; plus strand). Cytogenetic location: 1q22.
Variant type: single nucleotide variant.
Coding change: c.1402G>T on transcript NM_000157.4 (MANE Select); coding-DNA position 1402, G replaced by T.
Protein change: p.Glu468Ter; replaces glutamic acid 468 with a stop codon.
Molecular consequence: nonsense.
Genome position (GRCh38, 1-based): chr1:155,235,298, C>A on the plus strand (G>T on the coding strand, the complement: GBA1 is on the minus strand). VCF-style: chr1-155235298-C-A. GRCh37 (hg19) VCF-style: chr1-155205089-C-A.
Other names: c.1402G>T, p.Glu468Ter (NM_001005741.3, NM_001005742.3); c.1141G>T, p.Glu381Ter (NM_001171811.2); c.1255G>T, p.Glu419Ter (NM_001171812.2); short protein forms E381*, E419*, E468*.
Identifiers: ClinVar variation 4817723 (VCV004817723.1).

ClinVar aggregate classification (germline): Likely pathogenic (1 of 4 stars; one submission).

Conditions:
Gaucher disease. Also called: Acute cerebral Gaucher disease; Cerebroside lipidosis syndrome; Gaucher splenomegaly; Sphingolipidosis 1; Glucocerebrosidosis; Glucosylceramidase deficiency. Identifiers: Orphanet 355, MedGen C0017205, MONDO:0018150.

Submission:

Natera, Inc.
Classification: Likely pathogenic for Gaucher disease. Last evaluated: 2026-01-27. Review status: criteria provided, single submitter. Criteria: Natera Variant Classification Schema (03/2026). Collection method: clinical testing. Allele origin: germline.
Comment: The c.1402G>T variant in GBA1 is a nonsense variant predicted to introduce a stop codon at amino acid 468. This variant is expected to result in nonsense mediated decay, truncation, or a dysfunctional protein product. This variant is rare in the general population with a frequency below the threshold expected for the associated phenotype(s). Given the available evidence, this variant is classified as Likely Pathogenic.